The following is an entry in ClinVar:

NM_003041.4(SLC5A2):c.1310C>T (p.Ser437Leu)

Gene: SLC5A2 (solute carrier family 5 member 2; plus strand). Cytogenetic location: 16p11.2.
Variant type: single nucleotide variant.
Coding change: c.1310C>T on transcript NM_003041.4 (MANE Select); coding-DNA position 1310, C replaced by T.
Protein change: p.Ser437Leu; replaces serine 437 with leucine.
Molecular consequence: missense variant.
Genome position (GRCh38, 1-based): chr16:31,488,909, C>T. VCF-style: chr16-31488909-C-T. GRCh37 (hg19) VCF-style: chr16-31500230-C-T.
Other names: short protein forms S437L.
Identifiers: ClinVar variation 4072265 (VCV004072265.1).

ClinVar aggregate classification (germline): Uncertain significance (1 of 4 stars; one submission).

Conditions:
Familial renal glucosuria (GLYS). Also called: Familial renal glycosuria; RENAL GLUCOSURIA, AUTOSOMAL DOMINANT. Identifiers: Orphanet 69076, MedGen C3245525, MONDO:0009297, OMIM 233100.

Submission:

3billion
Classification: Uncertain significance for Familial renal glucosuria. Last evaluated: 2024-12-10. Review status: criteria provided, single submitter. Criteria: ACMG Guidelines, 2015. Collection method: clinical testing. Allele origin: germline. Affected: yes.
Comment: The variant is not observed in the gnomAD v4.1.0 dataset. Predicted Consequence/Location: Missense variant In silico tool predictions suggest damaging effect of the variant on gene or gene product [REVEL: 0.68 (>=0.6, sensitivity 0.68 and specificity 0.92); 3Cnet: 0.67 (>=0.6, sensitivity 0.72 and precision 0.9)]. Different missense changes at the same codon have been reported as of uncertain significance (ClinVar ID: VCV000591251). Therefore, this variant is classified as VUS according to the recommendation of ACMG/AMP guideline.